The following is an entry in ClinVar:

ClinVar aggregate classification (germline): Uncertain significance. Review status: criteria provided, single submitter (1 of 4 stars). 3 submissions from 3 submitters: Uncertain significance (1). 2 of the submissions do not count toward it. Last evaluated 2023-07-27.

Submissions (3):

Women's Health and Genetics/Laboratory Corporation of America, LabCorp
Classification: Uncertain significance. Last evaluated: 2023-07-27. Review status: criteria provided, single submitter. Criteria: LabCorp Variant Classification Summary - May 2015. Collection method: clinical testing. Allele origin: germline.
Comment: Variant summary: NAGLU c.736G>C (p.Ala246Pro) results in a non-conservative amino acid change located in the Alpha-N-acetylglucosaminidase, tim-barrel domain (IPR024733) of the encoded protein sequence. Four of five in-silico tools predict a damaging effect of the variant on protein function. The variant was absent in 250374 control chromosomes. c.736G>C has been reported in the literature in at least one heterozygous individual affected with severe Mucopolysaccharidosis Type IIIB (Sanfilippo Syndrome B), with a reportedly unknown variant in the second allele (e.g. Beesley_2005). These report(s) do not provide unequivocal conclusions about association of the variant with Mucopolysaccharidosis Type IIIB (Sanfilippo Syndrome B). At least one publication reports experimental evidence evaluating an impact on protein function. The most pronounced variant effect results in 12% of normal alpha-N-acetylglucosaminidase enzyme activity in vitro (e.g. Beesley_2005). The following publication has been ascertained in the context of this evaluation (PMID: 16151907). No submitters have cited clinical-significance assessments for this variant to ClinVar after 2014. Based on the evidence outlined above, the variant was classified as VUS-possibly pathogenic.

Clinical Genetics, Academic Medical Center
Classification: Uncertain significance. Review status: no assertion criteria provided. Collection method: clinical testing. Allele origin: germline. Affected: yes. Study: VKGL Data-share Consensus. Not counted in ClinVar's aggregate classification.

Laboratory of Diagnostic Genome Analysis, Leiden University Medical Center (LUMC)
Classification: Uncertain significance. Review status: no assertion criteria provided. Collection method: clinical testing. Allele origin: germline. Affected: yes. Study: VKGL Data-share Consensus. Not counted in ClinVar's aggregate classification.

Literature cited by the submitters: PubMed 16151907 (cited by Women's Health and Genetics/Laboratory Corporation of America, LabCorp).

NM_000263.4(NAGLU):c.736G>C (p.Ala246Pro)

Gene: NAGLU (N-acetyl-alpha-glucosaminidase; plus strand). Cytogenetic location: 17q21.2.
Variant type: single nucleotide variant.
Coding change: c.736G>C on transcript NM_000263.4 (MANE Select); coding-DNA position 736, G replaced by C.
Protein change: p.Ala246Pro; replaces alanine 246 with proline.
Molecular consequence: missense variant.
Genome position (GRCh38, 1-based): chr17:42,538,727, G>C. VCF-style: chr17-42538727-G-C. GRCh37 (hg19) VCF-style: chr17-40690745-G-C.
Other names: c.736G>C (NM_000263.3); short protein forms A246P.
Identifiers: ClinVar variation 1206012 (VCV001206012.4), dbSNP rs1415169705, ClinGen allele CA399599052.
Genomic context (GRCh38, chr17:42,538,727, plus strand): 5'-CAGCACCGGGTCCTGGACCAGATGCGCTCCTTCGGCATGACCCCAGTGCTGCCTGCATTC[G>C]CGGGGCATGTTCCCGAGGCTGTCACCAGGTGAGGTTCCGCTCACCCCCTCCACTTAGCTC-3'
Protein context (NP_000254.2, residues 236-256): FGMTPVLPAF[Ala246Pro]GHVPEAVTRV